The following is an entry in ClinVar:

NC_000014.8:g.(?_74111723)_(74727642_?)dup

Genes: ALDH6A1 (aldehyde dehydrogenase 6 family member A1; minus strand), BBOF1 (basal body orientation factor 1; plus strand), COQ6 (coenzyme Q6, monooxygenase; plus strand), DNAL1 (dynein axonemal light chain 1; plus strand), ENTPD5 (ectonucleoside triphosphate diphosphohydrolase 5 (inactive); minus strand) and 55 more. Cytogenetic location: 14q24.3.
Variant type: Duplication.
Identifiers: ClinVar variation 656294 (VCV000656294.8).

ClinVar aggregate classification (germline): Uncertain significance (1 of 4 stars; one submission).

Conditions:
Primary ciliary dyskinesia 16. Also called: CILIARY DYSKINESIA, PRIMARY, 16, WITH OR WITHOUT SITUS INVERSUS. Identifiers: Orphanet 244, MedGen C3151460, MONDO:0013525, OMIM 614017.

Submission:

Labcorp Genetics (formerly Invitae), Labcorp
Classification: Uncertain significance for Primary ciliary dyskinesia 16. Last evaluated: 2022-06-04. Review status: criteria provided, single submitter. Criteria: Invitae Variant Classification Sherloc (09022015). Collection method: clinical testing. Allele origin: germline.
Comment: A copy number gain of the genomic region encompassing the full coding sequence of the DNAL1 gene has been identified. The boundaries of this event are unknown as they extend beyond the assayed region for this gene and therefore may encompass additional genes. As the precise location of this event is unknown, it may be in tandem or it may be located elsewhere in the genome. This variant has not been reported in the literature in individuals affected with DNAL1-related conditions. In summary, the available evidence is currently insufficient to determine the role of this variant in disease. Therefore, it has been classified as a Variant of Uncertain Significance.